The following is an entry in ClinVar:

NM_007186.6(CEP250):c.3713C>T (p.Ala1238Val)

Gene: CEP250 (centrosomal protein 250; plus strand). Cytogenetic location: 20q11.22.
Variant type: single nucleotide variant.
Coding change: c.3713C>T on transcript NM_007186.6 (MANE Select); coding-DNA position 3713, C replaced by T.
Protein change: p.Ala1238Val; replaces alanine 1238 with valine.
Molecular consequence: missense variant.
Genome position (GRCh38, 1-based): chr20:35,498,652, C>T. VCF-style: chr20-35498652-C-T. GRCh37 (hg19) VCF-style: chr20-34086481-C-T.
Other names: c.1817C>T, p.Ala606Val (NM_001318219.1); short protein forms A1238V, A606V.
Identifiers: ClinVar variation 1471976 (VCV001471976.6), dbSNP rs6088868, ClinGen allele CA408745172.
Genomic context (GRCh38, chr20:35,498,652, plus strand): 5'-CAGACCAGAATGGAGCTAGGAGCCTCTTTAAGAGAGGGCCCCTGCTGACTGCTCTCTCCG[C>T]TGAGGCAGTAGCATCTGCCCTCCACAAGCTTCATCAAGACCTGTGGAAGACTCAACAGAC-3'
Protein context (NP_009117.2, residues 1228-1248): KRGPLLTALS[Ala1238Val]EAVASALHKL

ClinVar aggregate classification (germline): Uncertain significance (1 of 4 stars; one submission).

Submission:

Labcorp Genetics (formerly Invitae), Labcorp
Classification: Uncertain significance. Last evaluated: 2021-02-18. Review status: criteria provided, single submitter. Criteria: Invitae Variant Classification Sherloc (09022015). Collection method: clinical testing. Allele origin: germline.
Comment: This sequence change replaces alanine with valine at codon 1238 of the CEP250 protein (p.Ala1238Val). The alanine residue is weakly conserved and there is a small physicochemical difference between alanine and valine. This variant is not present in population databases (ExAC no frequency). This variant has not been reported in the literature in individuals with CEP250-related conditions. Algorithms developed to predict the effect of missense changes on protein structure and function output the following: SIFT: "Not Available"; PolyPhen-2: "Benign"; Align-GVGD: "Not Available". The valine amino acid residue is found in multiple mammalian species, suggesting that this missense change does not adversely affect protein function. These predictions have not been confirmed by published functional studies and their clinical significance is uncertain. In summary, the available evidence is currently insufficient to determine the role of this variant in disease. Therefore, it has been classified as a Variant of Uncertain Significance.